The following is an entry in ClinVar:

NM_001167.4(XIAP):c.1428A>C (p.Glu476Asp)

Gene: XIAP (X-linked inhibitor of apoptosis; plus strand). Cytogenetic location: Xq25.
Variant type: single nucleotide variant.
Coding change: c.1428A>C on transcript NM_001167.4 (MANE Select); coding-DNA position 1428, A replaced by C.
Protein change: p.Glu476Asp; replaces glutamic acid 476 with aspartic acid.
Molecular consequence: missense variant. On other transcripts: non-coding transcript variant (2).
Genome position (GRCh38, 1-based): chrX:123,907,115, A>C. VCF-style: chrX-123907115-A-C. GRCh37 (hg19) VCF-style: chrX-123040965-A-C.
Other names: c.1428A>C, p.Glu476Asp (NM_001204401.2, NM_001378590.1, NM_001378591.1 and 1 more transcripts); short protein forms E476D.
Identifiers: ClinVar variation 2142682 (VCV002142682.5), dbSNP rs147510195, ClinGen allele CA10508190.

ClinVar aggregate classification (germline): Uncertain significance. Review status: criteria provided, multiple submitters, no conflicts (2 of 4 stars). 2 submissions from 2 submitters: Uncertain significance (2). Last evaluated 2025-06-20.

Conditions:
Inborn genetic diseases. Identifiers: MedGen C0950123, MeSH D030342.
X-linked lymphoproliferative disease due to XIAP deficiency. Also called: XIAP DEFICIENCY; XIAP-Related Lymphoproliferative Disease, X-Linked. Identifiers: Orphanet 2442, Orphanet 538934, MedGen C1845076, MONDO:0010385, OMIM 300635.

Allele frequency attached by ClinVar (database versions not stated): ExAC 0.00001; gnomAD exomes 0.00001; gnomAD 0.00008; ESP Exome Variant Server 0.00009; TOPMed 0.00009.
gnomAD v4.1: 16 of 1,210,294 alleles (0.0013%); highest among the groups gnomAD compares: African/African-American, 0.023%; no homozygotes.

Submissions (2):

Labcorp Genetics (formerly Invitae), Labcorp
Classification: Uncertain significance for X-linked lymphoproliferative disease due to XIAP deficiency. Last evaluated: 2025-06-20. Review status: criteria provided, single submitter. Criteria: Invitae Variant Classification Sherloc (09022015). Collection method: clinical testing. Allele origin: germline.
Comment: This sequence change replaces glutamic acid, which is acidic and polar, with aspartic acid, which is acidic and polar, at codon 476 of the XIAP protein (p.Glu476Asp). This variant is present in population databases (rs147510195, gnomAD 0.04%). This variant has not been reported in the literature in individuals affected with XIAP-related conditions. ClinVar contains an entry for this variant (Variation ID: 2142682). Invitae Evidence Modeling of protein sequence and biophysical properties (such as structural, functional, and spatial information, amino acid conservation, physicochemical variation, residue mobility, and thermodynamic stability) indicates that this missense variant is not expected to disrupt XIAP protein function with a negative predictive value of 80%. In summary, the available evidence is currently insufficient to determine the role of this variant in disease. Therefore, it has been classified as a Variant of Uncertain Significance.

Ambry Genetics
Classification: Uncertain significance for Inborn genetic diseases. Last evaluated: 2024-10-04. Review status: criteria provided, single submitter. Criteria: Ambry Variant Classification Scheme 2023. Collection method: clinical testing. Allele origin: germline.